The following is an entry in ClinVar:

NM_006904.7(PRKDC):c.3257A>G (p.Tyr1086Cys)

Gene: PRKDC (protein kinase, DNA-activated, catalytic subunit; minus strand). Cytogenetic location: 8q11.21.
Variant type: single nucleotide variant.
Coding change: c.3257A>G on transcript NM_006904.7 (MANE Select); coding-DNA position 3257, A replaced by G.
Protein change: p.Tyr1086Cys; replaces tyrosine 1086 with cysteine.
Molecular consequence: missense variant.
Genome position (GRCh38, 1-based): chr8:47,902,581, T>C on the plus strand (A>G on the coding strand, the complement: PRKDC is on the minus strand). VCF-style: chr8-47902581-T-C. GRCh37 (hg19) VCF-style: chr8-48815141-T-C.
Other names: c.3257A>G, p.Tyr1086Cys (NM_001081640.2); short protein forms Y1086C.
Identifiers: ClinVar variation 1040859 (VCV001040859.6), dbSNP rs2040246227, ClinGen allele CA371156487.

ClinVar aggregate classification (germline): Uncertain significance. Review status: criteria provided, multiple submitters, no conflicts (2 of 4 stars). 2 submissions from 2 submitters: Uncertain significance (2). Last evaluated 2021-08-31.

Conditions:
Severe combined immunodeficiency due to DNA-PKcs deficiency. Also called: IMMUNODEFICIENCY 26 WITH NEUROLOGIC ABNORMALITIES; Immunodeficiency 26 with or without neurologic abnormalities. Identifiers: Orphanet 317425, MedGen C4014833, MONDO:0014423, OMIM 615966.

Allele frequency attached by ClinVar (database versions not stated): gnomAD exomes below 0.00001; gnomAD 0.00001.
gnomAD v4.1: 3 of 1,584,118 alleles (0.00019%); highest among the groups gnomAD compares: Non-Finnish European, 0.00017%; no homozygotes.

Submissions (2):

Labcorp Genetics (formerly Invitae), Labcorp
Classification: Uncertain significance for Severe combined immunodeficiency due to DNA-PKcs deficiency. Last evaluated: 2021-08-31. Review status: criteria provided, single submitter. Criteria: Invitae Variant Classification Sherloc (09022015). Collection method: clinical testing. Allele origin: germline.

Ambry Genetics
Classification: Uncertain significance. Last evaluated: 2021-07-29. Review status: criteria provided, single submitter. Criteria: Ambry Variant Classification Scheme 2023. Collection method: clinical testing. Allele origin: germline.
Comment: The p.Y1086C variant (also known as c.3257A>G), located in coding exon 27 of the PRKDC gene, results from an A to G substitution at nucleotide position 3257. The tyrosine at codon 1086 is replaced by cysteine, an amino acid with highly dissimilar properties. This amino acid position is conserved. In addition, this alteration is predicted to be deleterious by in silico analysis. Since supporting evidence is limited at this time, the clinical significance of this alteration remains unclear.